The following is an entry in ClinVar:

NM_001367823.1(ARHGEF18):c.1582C>T (p.Gln528Ter)

Gene: ARHGEF18 (Rho/Rac guanine nucleotide exchange factor 18; plus strand). Cytogenetic location: 19p13.2.
Variant type: single nucleotide variant.
Coding change: c.1582C>T on transcript NM_001367823.1 (MANE Select); coding-DNA position 1582, C replaced by T.
Protein change: p.Gln528Ter; replaces glutamine 528 with a stop codon.
Molecular consequence: nonsense.
Genome position (GRCh38, 1-based): chr19:7,444,425, C>T. VCF-style: chr19-7444425-C-T. GRCh37 (hg19) VCF-style: chr19-7509311-C-T.
Other names: c.856C>T, p.Gln286Ter (NM_001130955.2); c.544C>T, p.Gln182Ter (NM_001367824.1, NM_015318.4); short protein forms Q286*, Q182*, Q528*.
Identifiers: ClinVar variation 2001510 (VCV002001510.4), dbSNP rs1353606328, ClinGen allele CA403104392.
Genomic context (GRCh38, chr19:7,444,425, plus strand): 5'-CGGCTCAAGGAGCGCCGCCAGGAGTCCCTGGAGGAGGGCAGTGACCGGAATTATGTCATC[C>T]AGAAAATCGGCGACCTCCTGGTTCAGCAGGTGGGTGCAGCCGTGTTCATCTCAACAGTCT-3'

ClinVar aggregate classification (germline): Pathogenic (1 of 4 stars; one submission).

Allele frequency attached by ClinVar (database versions not stated): gnomAD exomes below 0.00001.
gnomAD v4.1: 1 of 1,613,692 alleles (0.000062%); highest among the groups gnomAD compares: Admixed American, 0.0017%; no homozygotes.

Submission:

Labcorp Genetics (formerly Invitae), Labcorp
Classification: Pathogenic. Last evaluated: 2022-08-10. Review status: criteria provided, single submitter. Criteria: Invitae Variant Classification Sherloc (09022015). Collection method: clinical testing. Allele origin: germline.
Comment: This sequence change creates a premature translational stop signal (p.Gln340*) in the ARHGEF18 gene. It is expected to result in an absent or disrupted protein product. Loss-of-function variants in ARHGEF18 are known to be pathogenic (PMID: 28132693). For these reasons, this variant has been classified as Pathogenic. This variant has not been reported in the literature in individuals affected with ARHGEF18-related conditions. This variant is present in population databases (no rsID available, gnomAD 0.003%).

Literature cited by the submitters: PubMed 28132693.